The following is an entry in ClinVar:

ClinVar aggregate classification (germline): Uncertain significance (1 of 4 stars; one submission).

Submission:

GeneDx
Classification: Uncertain significance. Last evaluated: 2021-04-27. Review status: criteria provided, single submitter. Criteria: GeneDx Variant Classification Process June 2021. Collection method: clinical testing. Allele origin: germline. Affected: yes.
Comment: Not observed in large population cohorts (Lek et al., 2016); In silico analysis supports that this missense variant has a deleterious effect on protein structure/function; Has not been previously published as pathogenic or benign to our knowledge

NM_005676.5(RBM10):c.47A>G (p.Tyr16Cys)

Gene: RBM10 (RNA binding motif protein 10; plus strand). Cytogenetic location: Xp11.3.
Variant type: single nucleotide variant.
Coding change: c.47A>G on transcript NM_005676.5 (MANE Select); coding-DNA position 47, A replaced by G.
Protein change: p.Tyr16Cys; replaces tyrosine 16 with cysteine.
Molecular consequence: missense variant.
Genome position (GRCh38, 1-based): chrX:47,169,344, A>G. VCF-style: chrX-47169344-A-G. GRCh37 (hg19) VCF-style: chrX-47028743-A-G.
Other names: c.47A>G, p.Tyr16Cys (NM_001204466.2, NM_001204467.2, NM_152856.3); c.242A>G, p.Tyr81Cys (NM_001204468.2); short protein forms Y16C, Y81C.
Identifiers: ClinVar variation 1314728 (VCV001314728.2), dbSNP rs2147127817, ClinGen allele CA412788073.
Genomic context (GRCh38, chrX:47,169,344, plus strand): 5'-TGATCCCTCCCCATCCTTCTTCCTCCACTAGTGGTGGTCGTGGTGACAGGACTGGCCGCT[A>G]TGGAGCCACTGACCGCTCGCAGGATGATGGTGGGGAGAACCGCAGCCGAGACCACGACTA-3'
Protein context (NP_005667.2, residues 6-26): RGGRGDRTGR[Tyr16Cys]GATDRSQDDG